The following is an entry in ClinVar:

NM_000180.4(GUCY2D):c.2804C>T (p.Ser935Leu)

Gene: GUCY2D (guanylate cyclase 2D, retinal; plus strand). Cytogenetic location: 17p13.1.
Variant type: single nucleotide variant.
Coding change: c.2804C>T on transcript NM_000180.4 (MANE Select); coding-DNA position 2804, C replaced by T.
Protein change: p.Ser935Leu; replaces serine 935 with leucine.
Molecular consequence: missense variant.
Genome position (GRCh38, 1-based): chr17:8,015,362, C>T. VCF-style: chr17-8015362-C-T. GRCh37 (hg19) VCF-style: chr17-7918680-C-T.
Other names: short protein forms S935L.
Identifiers: ClinVar variation 1065694 (VCV001065694.9), dbSNP rs1236572248, ClinGen allele CA397954374.

ClinVar aggregate classification (germline): Uncertain significance. Review status: criteria provided, multiple submitters, no conflicts (2 of 4 stars). 2 submissions from 2 submitters: Uncertain significance (2). Last evaluated 2023-10-25.

Conditions:
Leber congenital amaurosis 1 (LCA1). Also called: AMAUROSIS CONGENITA OF LEBER I; RETINAL BLINDNESS, CONGENITAL; Congenital absence of the rods and cones; Leber's congenital tapetoretinal degeneration; Leber's congenital tapetoretinal dysplasia. Identifiers: Orphanet 65, MedGen C2931258, MONDO:0008764, OMIM 204000.
Cone-rod dystrophy 6 (CORD6). Also called: RETINAL CONE DYSTROPHY 2; Cone dystrophy progressive. Identifiers: Orphanet 1872, MedGen C1866293, MONDO:0011143, OMIM 601777.

Allele frequency attached by ClinVar (database versions not stated): gnomAD exomes below 0.00001; gnomAD 0.00001; TOPMed 0.00001.
gnomAD v4.1: 4 of 1,610,844 alleles (0.00025%); highest among the groups gnomAD compares: African/African-American, 0.0013%; no homozygotes.

Submissions (2):

Labcorp Genetics (formerly Invitae), Labcorp
Classification: Uncertain significance for Leber congenital amaurosis 1; Cone-rod dystrophy 6. Last evaluated: 2023-10-25. Review status: criteria provided, single submitter. Criteria: Invitae Variant Classification Sherloc (09022015). Collection method: clinical testing. Allele origin: germline.
Comment: This sequence change replaces serine, which is neutral and polar, with leucine, which is neutral and non-polar, at codon 935 of the GUCY2D protein (p.Ser935Leu). This variant is present in population databases (no rsID available, gnomAD 0.003%). This missense change has been observed in individual(s) with Leber congenital amaurosis (PMID: 26047050). ClinVar contains an entry for this variant (Variation ID: 1065694). Advanced modeling of protein sequence and biophysical properties (such as structural, functional, and spatial information, amino acid conservation, physicochemical variation, residue mobility, and thermodynamic stability) has been performed at Invitae for this missense variant, however the output from this modeling did not meet the statistical confidence thresholds required to predict the impact of this variant on GUCY2D protein function. In summary, the available evidence is currently insufficient to determine the role of this variant in disease. Therefore, it has been classified as a Variant of Uncertain Significance.

Ocular Genomics Institute, Massachusetts Eye and Ear
Classification: Uncertain significance for Leber congenital amaurosis 1. Last evaluated: 2021-04-08. Review status: criteria provided, single submitter. Criteria: ACMG Guidelines, 2015. Collection method: research. Allele origin: germline. Affected: yes.
Comment: Through a review of available evidence we were able to apply the following criteria: PM2, PP3. Based on this evidence we have classified this variant as Variant of Uncertain Significance.

Literature cited by the submitters: PubMed 26047050 (cited by Labcorp Genetics (formerly Invitae), Labcorp and Ocular Genomics Institute, Massachusetts Eye and Ear).